The following is an entry in ClinVar:

ClinVar aggregate classification (germline): Pathogenic (1 of 4 stars; one submission).

Conditions:
Supravalvar aortic stenosis (SVAS). Also called: Supravalvar aortic stenosis, Eisenberg type. Identifiers: Orphanet 3193, MedGen C0003499, MONDO:0008504, OMIM 185500, HP:0004381.

Submission:

Labcorp Genetics (formerly Invitae), Labcorp
Classification: Pathogenic for Supravalvar aortic stenosis. Last evaluated: 2019-10-08. Review status: criteria provided, single submitter. Criteria: Invitae Variant Classification Sherloc (09022015). Collection method: clinical testing. Allele origin: germline.
Comment: This sequence change creates a premature translational stop signal (p.Ile295Metfs*28) in the ELN gene. It is expected to result in an absent or disrupted protein product. This variant is not present in population databases (ExAC no frequency). This variant has not been reported in the literature in individuals with ELN-related conditions. Loss-of-function variants in ELN are known to be pathogenic (PMID: 11175284). For these reasons, this variant has been classified as Pathogenic.

Literature cited by the submitters: PubMed 11175284.

NM_000501.4(ELN):c.885del (p.Ile295fs)

Gene: ELN (elastin; plus strand). Cytogenetic location: 7q11.23.
Variant type: Deletion.
Coding change: c.885del on transcript NM_000501.4 (MANE Select); coding-DNA position 885, one base deleted (C; older notation c.885delC).
Protein change: p.Ile295fs; shifts the reading frame from isoleucine 295.
Molecular consequence: frameshift variant.
Genome position (GRCh38, 1-based): chr7:74,051,835, C deleted. VCF-style (leftmost placement, unchanged base first): chr7-74051834-TC-T. GRCh37 (hg19) VCF-style: chr7-73466164-TC-T.
Other names: c.855del, p.Ile285fs (NM_001081752.3, NM_001278917.2); c.900del, p.Ile300fs (NM_001081753.3, NM_001081754.3); c.885del, p.Ile295fs (NM_001081755.3, NM_001278912.2, NM_001278915.2 and 1 more transcripts); c.777del, p.Ile259fs (NM_001278913.2); c.870del, p.Ile290fs (NM_001278914.2); c.843del, p.Ile281fs (NM_001278916.2); c.753del, p.Ile251fs (NM_001278918.2); short protein forms I251fs, I290fs, I295fs, I281fs, I285fs, I300fs, I259fs.
Identifiers: ClinVar variation 961907 (VCV000961907.7), dbSNP rs1794108907, ClinGen allele CA1139659782.